The following is an entry in ClinVar:

ClinVar aggregate classification (germline): Likely benign (1 of 4 stars; one submission).

gnomAD v4.1: 1,357 of 1,286,140 alleles (0.11%); highest among the groups gnomAD compares: Non-Finnish European, 0.13%; 3 homozygotes.

Submission:

CeGaT Center for Human Genetics Tuebingen
Classification: Likely benign. Last evaluated: 2026-09-01. Review status: criteria provided, single submitter. Criteria: CeGaT Center For Human Genetics Tuebingen Variant Classification Criteria Version 2. Collection method: clinical testing. Allele origin: germline. Affected: yes. Observed: 2 variant alleles.
Comment: MFAP5: BS1

NM_003480.4(MFAP5):c.410-286T>C

Genes: MFAP5 (microfibril associated protein 5; minus strand), LOC126861443 (BRD4-independent group 4 enhancer GRCh37_chr12:8800473-8801672; plus strand). Cytogenetic location: 12p13.31.
Variant type: single nucleotide variant.
Coding change: c.410-286T>C on transcript NM_003480.4 (MANE Select); 286 bases into the intron before coding-DNA position 410, T replaced by C.
Molecular consequence: intron variant. On other transcripts: non-coding transcript variant (2).
Genome position (GRCh38, 1-based): chr12:8,648,489, A>G on the plus strand (T>C on the coding strand, the complement: MFAP5 is on the minus strand). VCF-style: chr12-8648489-A-G. GRCh37 (hg19) VCF-style: chr12-8801085-A-G.
Other names: c.344-286T>C (NM_001297710.2); c.335-286T>C (NM_001297711.2); c.218-286T>C (NM_001297712.2); c.380-286T>C (NM_001297709.2).
Identifiers: ClinVar variation 3777882 (VCV003777882.7).
Genomic context (GRCh38, chr12:8,648,489, plus strand): 5'-ATACCTACCTCAACAGTATATTTCTGAGTATTAAAATGAAATCATGTATGCAAAGTACCT[A>G]GCACAGGTGAGCAGTAAATGTTAGTTTCCTTTATATATCCAGCTGCCAATTCTTCTAATC-3'